The following is an entry in ClinVar:

ClinVar aggregate classification (germline): Uncertain significance. Review status: criteria provided, multiple submitters, no conflicts (2 of 4 stars). 2 submissions from 2 submitters: Uncertain significance (2). Last evaluated 2024-02-22.

Conditions:
Neurofibromatosis, type 2 (SWNV). Also called: BILATERAL ACOUSTIC NEUROFIBROMATOSIS; SCHWANNOMATOSIS, VESTIBULAR; NF2-Related Schwannomatosis. Identifiers: Orphanet 637, MedGen C0027832, MONDO:0007039, OMIM 101000. Disease mechanism: loss of function.
Hereditary cancer-predisposing syndrome. Also called: Neoplastic Syndromes, Hereditary; Hereditary Cancer Syndrome; Tumor predisposition; Hereditary neoplastic syndrome. Identifiers: Orphanet 140162, MedGen C0027672, MeSH D009386, MONDO:0015356.

Allele frequency attached by ClinVar (database versions not stated): gnomAD exomes below 0.00001; TOPMed 0.00001.

Submissions (2):

All of Us Research Program, National Institutes of Health
Classification: Uncertain significance for Neurofibromatosis, type 2. Last evaluated: 2024-02-22. Review status: criteria provided, single submitter. Criteria: ACMG Guidelines, 2015. Collection method: clinical testing. Allele origin: germline. Inheritance: Autosomal dominant inheritance. Observed: 1 variant allele, 1 heterozygote.
Comment: This missense variant replaces methionine with leucine at codon 321 of the NF2 protein. Computational prediction suggests that this variant may have deleterious impact on protein structure and function. To our knowledge, functional studies have not been reported for this variant. This variant has not been reported in individuals affected with NF2-related disorders in the literature. This variant has been identified in 1/251466 chromosomes in the general population by the Genome Aggregation Database (gnomAD). The available evidence is insufficient to determine the role of this variant in disease conclusively. Therefore, this variant is classified as a Variant of Uncertain Significance.

This study involves interpretation of variants in research participants for the purpose of population health screening. Participant phenotype was not available at the time of variant classification. Additional details can be found in publication PMID: 35346344, PMCID: PMC8962531

Ambry Genetics
Classification: Uncertain significance for Hereditary cancer-predisposing syndrome. Last evaluated: 2023-06-26. Review status: criteria provided, single submitter. Criteria: Ambry Variant Classification Scheme 2023. Collection method: clinical testing. Allele origin: germline.
Comment: The p.M321L variant (also known as c.961A>C), located in coding exon 10 of the NF2 gene, results from an A to C substitution at nucleotide position 961. The methionine at codon 321 is replaced by leucine, an amino acid with highly similar properties. This amino acid position is highly conserved in available vertebrate species. In addition, this alteration is predicted to be deleterious by in silico analysis. Since supporting evidence is limited at this time, the clinical significance of this alteration remains unclear.

NM_000268.4(NF2):c.961A>C (p.Met321Leu)

Gene: NF2 (NF2, moesin-ezrin-radixin like (MERLIN) tumor suppressor; plus strand). Cytogenetic location: 22q12.2.
Variant type: single nucleotide variant.
Coding change: c.961A>C on transcript NM_000268.4 (MANE Select); coding-DNA position 961, A replaced by C.
Protein change: p.Met321Leu; replaces methionine 321 with leucine.
Molecular consequence: missense variant. On other transcripts: non-coding transcript variant (1), intron variant (1).
Genome position (GRCh38, 1-based): chr22:29,668,408, A>C. VCF-style: chr22-29668408-A-C. GRCh37 (hg19) VCF-style: chr22-30064397-A-C.
Other names: c.847A>C, p.Met283Leu (NM_001407053.1, NM_001407056.1); c.838A>C, p.Met280Leu (NM_001407054.1, NM_001407058.1, NM_181829.3); c.835A>C, p.Met279Leu (NM_001407055.1, NM_181828.3); c.826A>C, p.Met276Leu (NM_001407057.1, NM_001407059.1); c.961A>C, p.Met321Leu (NM_001407060.1, NM_001407066.1, NM_016418.5 and 2 more transcripts); c.703A>C, p.Met235Leu (NM_001407062.1); c.712A>C, p.Met238Leu (NM_001407063.1, NM_001407064.1, NM_181830.3 and 1 more transcripts); c.427A>C, p.Met143Leu (NM_001407065.1); and 2 more; short protein forms M235L, M143L, M276L, M280L, M321L, M238L, M244L, M279L.
Identifiers: ClinVar variation 2587692 (VCV002587692.3), dbSNP rs1327070383, ClinGen allele CA411145939.